The following is an entry in ClinVar:

ClinVar aggregate classification (germline): Uncertain significance (1 of 4 stars; one submission).

Conditions:
Familial hemiplegic migraine. Identifiers: MedGen C0338484, MONDO:0000700.

Submission:

Labcorp Genetics (formerly Invitae), Labcorp
Classification: Uncertain significance for Familial hemiplegic migraine. Last evaluated: 2020-02-10. Review status: criteria provided, single submitter. Criteria: Invitae Variant Classification Sherloc (09022015). Collection method: clinical testing. Allele origin: germline.
Comment: This sequence change replaces glutamic acid with lysine at codon 36 of the ATP1A2 protein (p.Glu36Lys). The glutamic acid residue is highly conserved and there is a small physicochemical difference between glutamic acid and lysine. This variant is not present in population databases (ExAC no frequency). This variant has not been reported in the literature in individuals with ATP1A2-related conditions. Algorithms developed to predict the effect of missense changes on protein structure and function are either unavailable or do not agree on the potential impact of this missense change (SIFT: "Deleterious"; PolyPhen-2: "Benign"; Align-GVGD: "Class C55"). In summary, the available evidence is currently insufficient to determine the role of this variant in disease. Therefore, it has been classified as a Variant of Uncertain Significance.

NM_000702.4(ATP1A2):c.106G>A (p.Glu36Lys)

Gene: ATP1A2 (ATPase Na+/K+ transporting subunit alpha 2; plus strand). Cytogenetic location: 1q23.2.
Variant type: single nucleotide variant.
Coding change: c.106G>A on transcript NM_000702.4 (MANE Select); coding-DNA position 106, G replaced by A.
Protein change: p.Glu36Lys; replaces glutamic acid 36 with lysine.
Molecular consequence: missense variant.
Genome position (GRCh38, 1-based): chr1:160,120,999, G>A. VCF-style: chr1-160120999-G-A. GRCh37 (hg19) VCF-style: chr1-160090789-G-A.
Other names: short protein forms E36K.
Identifiers: ClinVar variation 951003 (VCV000951003.9), dbSNP rs1651377160, ClinGen allele CA343228024.
Genomic context (GRCh38, chr1:160,120,999, plus strand): 5'-GCAGAGAATGGGGGCGGCAAGAAGAAACAGAAGGAGAAGGAACTGGATGAGCTGAAGAAG[G>A]AGGTGGCAATGGTGAGGGAACTGCTGGGCCATGGAGGAGGGGCCCCATGCTGGGAGAGCT-3'
Protein context (NP_000693.1, residues 26-46): KEKELDELKK[Glu36Lys]VAMDDHKLSL